The following is an entry in ClinVar:

ClinVar aggregate classification (germline): Uncertain significance. Review status: criteria provided, multiple submitters, no conflicts (2 of 4 stars). 2 submissions from 2 submitters: Uncertain significance (2). Last evaluated 2024-04-22.

Conditions:
Combined oxidative phosphorylation defect type 17. Also called: Combined oxidative phosphorylation deficiency 17. Identifiers: Orphanet 369913, MedGen C3809526, MONDO:0014190, OMIM 615440.

Allele frequency attached by ClinVar (database versions not stated): gnomAD 0.00001.
gnomAD v4.1: 8 of 1,605,656 alleles (0.0005%); highest among the groups gnomAD compares: Non-Finnish European, 0.00068%; no homozygotes.

Submissions (2):

Labcorp Genetics (formerly Invitae), Labcorp
Classification: Uncertain significance for Combined oxidative phosphorylation defect type 17. Last evaluated: 2024-04-22. Review status: criteria provided, single submitter. Criteria: Invitae Variant Classification Sherloc (09022015). Collection method: clinical testing. Allele origin: germline.
Comment: This sequence change replaces asparagine, which is neutral and polar, with lysine, which is basic and polar, at codon 379 of the ELAC2 protein (p.Asn379Lys). This variant is not present in population databases (gnomAD no frequency). This variant has not been reported in the literature in individuals affected with ELAC2-related conditions. ClinVar contains an entry for this variant (Variation ID: 2079197). Advanced modeling of protein sequence and biophysical properties (such as structural, functional, and spatial information, amino acid conservation, physicochemical variation, residue mobility, and thermodynamic stability) performed at Invitae indicates that this missense variant is expected to disrupt ELAC2 protein function with a positive predictive value of 80%. In summary, the available evidence is currently insufficient to determine the role of this variant in disease. Therefore, it has been classified as a Variant of Uncertain Significance.

GeneDx
Classification: Uncertain significance. Last evaluated: 2023-11-02. Review status: criteria provided, single submitter. Criteria: GeneDx Variant Classification Process June 2021. Collection method: clinical testing. Allele origin: germline. Affected: yes.
Comment: Not observed in large population cohorts (gnomAD); In silico analysis supports that this missense variant does not alter protein structure/function; Has not been previously published as pathogenic or benign to our knowledge

NM_018127.7(ELAC2):c.1137C>A (p.Asn379Lys)

Gene: ELAC2 (elaC ribonuclease Z 2; minus strand). Cytogenetic location: 17p12.
Variant type: single nucleotide variant.
Coding change: c.1137C>A on transcript NM_018127.7 (MANE Select); coding-DNA position 1137, C replaced by A.
Protein change: p.Asn379Lys; replaces asparagine 379 with lysine.
Molecular consequence: missense variant.
Genome position (GRCh38, 1-based): chr17:13,002,522, G>T on the plus strand (C>A on the coding strand, the complement: ELAC2 is on the minus strand). VCF-style: chr17-13002522-G-T. GRCh37 (hg19) VCF-style: chr17-12905839-G-T.
Other names: c.1017C>A, p.Asn339Lys (NM_001165962.2); c.1137C>A, p.Asn379Lys (NM_173717.2); c.1137C>A (NM_018127.6); short protein forms N379K, N339K.
Identifiers: ClinVar variation 2079197 (VCV002079197.5), dbSNP rs1406570481, ClinGen allele CA398225464.
Genomic context (GRCh38, chr17:13,002,522, plus strand): 5'-CAGGGGGAAGATGTCCGGGTGGATGAGGTTGAGCTGGGTTTGAATCTTGTGGCTGCGAAG[G>T]TTGTGAACTGAGGCACAGTTCTCATTCAGGACCAAGTGCTGGGTGTCAGGCCCAAACCTG-3'
Protein context (NP_060597.4, residues 369-389): VLNENCASVH[Asn379Lys]LRSHKIQTQL